The following is an entry in ClinVar:

NC_000023.10:g.(?_149826274)_(149840088_?)del

Gene: MTM1 (myotubularin 1; plus strand). Cytogenetic location: Xq28.
Variant type: Deletion.
Identifiers: ClinVar variation 530860 (VCV000530860.9).

ClinVar aggregate classification (germline): Pathogenic (1 of 4 stars; one submission).

Conditions:
Severe X-linked myotubular myopathy (CNMX). Also called: MYOTUBULAR MYOPATHY 1; Myotubular myopathy, X-linked; X-linked centronuclear myopathy. Identifiers: Orphanet 596, MedGen C0410203, MONDO:0010683, OMIM 310400.

Submission:

Labcorp Genetics (formerly Invitae), Labcorp
Classification: Pathogenic for Severe X-linked myotubular myopathy. Last evaluated: 2022-07-26. Review status: criteria provided, single submitter. Criteria: Invitae Variant Classification Sherloc (09022015). Collection method: clinical testing. Allele origin: germline.
Comment: For these reasons, this variant has been classified as Pathogenic. This variant disrupts a region of the MTM1 protein in which other variant(s) (p.Glu404Lys and p.Arg421Gln) have been determined to be pathogenic (PMID: 9285787, 12118066, 12646134, 17005396, 17973976, 19084976, 21135508, 23071445, 23917616, 25957634). This suggests that this is a clinically significant region of the protein, and that variants that disrupt it are likely to be disease-causing. A similar copy number variant has been observed in individuals with centronuclear myopathy (PMID: 30902907; Invitae). This variant is a gross deletion of the genomic region encompassing exon(s) 11-15 of the MTM1 gene, which includes the termination codon. This deletion extends beyond the assayed region for this gene and therefore may encompass additional genes. While this deletion is not anticipated to lead to nonsense mediated decay, it is expected to alter mRNA translation or result in a truncated protein product.

Literature cited by the submitters: PubMed 9285787; PubMed 12118066; PubMed 12646134; PubMed 17005396; PubMed 17973976; PubMed 19084976; PubMed 21135508; PubMed 23071445; PubMed 23917616; PubMed 25957634; PubMed 30902907.